The following is an entry in ClinVar:

NM_005902.4(SMAD3):c.1006C>A (p.Pro336Thr)

Gene: SMAD3 (SMAD family member 3; plus strand). Cytogenetic location: 15q22.33.
Variant type: single nucleotide variant.
Coding change: c.1006C>A on transcript NM_005902.4 (MANE Select); coding-DNA position 1006, C replaced by A.
Protein change: p.Pro336Thr; replaces proline 336 with threonine.
Molecular consequence: missense variant. On other transcripts: intron variant (1).
Genome position (GRCh38, 1-based): chr15:67,184,861, C>A. VCF-style: chr15-67184861-C-A. GRCh37 (hg19) VCF-style: chr15-67477199-C-A.
Other names: c.691C>A, p.Pro231Thr (NM_001145102.2, NM_001407016.1); c.874C>A, p.Pro292Thr (NM_001145103.2, NM_001407012.1); c.421C>A, p.Pro141Thr (NM_001145104.2, NM_001407017.1); c.1006C>A, p.Pro336Thr (NM_001407011.1); c.859C>A, p.Pro287Thr (NM_001407014.1); c.559C>A, p.Pro187Thr (NM_001407015.1); c.872-2504C>A (NM_001407013.1); short protein forms P141T, P187T, P231T, P287T, P292T, P336T.
Identifiers: ClinVar variation 4756967 (VCV004756967.1).

ClinVar aggregate classification (germline): Uncertain significance (1 of 4 stars; one submission).

Conditions:
Familial thoracic aortic aneurysm and aortic dissection (TAAD). Also called: Thoracic aortic aneurysms and dissections. Identifiers: Orphanet 91387, MedGen C4707243, MONDO:0019625.

Submission:

Color Diagnostics, LLC DBA Color Health
Classification: Uncertain significance for Familial thoracic aortic aneurysm and aortic dissection. Last evaluated: 2025-06-23. Review status: criteria provided, single submitter. Criteria: ACMG Guidelines, 2015. Collection method: clinical testing. Allele origin: germline.
Comment: This missense variant replaces proline with threonine at codon 336 of the SMAD3 protein. Computational prediction suggests that this variant may have deleterious impact on protein structure and function. To our knowledge, functional studies have not been reported for this variant. This variant has not been reported in individuals affected with SMAD3-related disorders in the literature. This variant has not been identified in the general population by the Genome Aggregation Database (gnomAD). The available evidence is insufficient to determine the role of this variant in disease conclusively. Therefore, this variant is classified as a Variant of Uncertain Significance.